The following is an entry in ClinVar:

NM_014000.3(VCL):c.3008G>A (p.Arg1003Gln)

Gene: VCL (vinculin; plus strand). Cytogenetic location: 10q22.2.
Variant type: single nucleotide variant.
Coding change: c.3008G>A on transcript NM_014000.3 (MANE Select); coding-DNA position 3008, G replaced by A.
Protein change: p.Arg1003Gln; replaces arginine 1003 with glutamine.
Molecular consequence: missense variant.
Genome position (GRCh38, 1-based): chr10:74,114,242, G>A. VCF-style: chr10-74114242-G-A. GRCh37 (hg19) VCF-style: chr10-75874000-G-A.
Other names: c.2804G>A, p.Arg935Gln (NM_003373.4); short protein forms R1003Q, R935Q.
Identifiers: ClinVar variation 426399 (VCV000426399.6), dbSNP rs1085307604, ClinGen allele CA377266606.

ClinVar aggregate classification (germline): Uncertain significance. Review status: criteria provided, multiple submitters, no conflicts (2 of 4 stars). 3 submissions from 3 submitters: Uncertain significance (3). Last evaluated 2025-02-27.

Conditions:
Cardiovascular phenotype. Identifiers: MedGen CN230736.
Dilated cardiomyopathy 1W (CMD1W). Identifiers: Orphanet 154, MedGen C1969639, MONDO:0012667, OMIM 611407.

Submissions (3):

Ambry Genetics
Classification: Uncertain significance for Cardiovascular phenotype. Last evaluated: 2025-02-27. Review status: criteria provided, single submitter. Criteria: Ambry Variant Classification Scheme 2023. Collection method: clinical testing. Allele origin: germline.
Comment: The p.R1003Q variant (also known as c.3008G>A), located in coding exon 20 of the VCL gene, results from a G to A substitution at nucleotide position 3008. The arginine at codon 1003 is replaced by glutamine, an amino acid with highly similar properties. This amino acid position is conserved. In addition, the in silico prediction for this alteration is inconclusive. Based on the available evidence, the clinical significance of this variant remains unclear.

Labcorp Genetics (formerly Invitae), Labcorp
Classification: Uncertain significance for Dilated cardiomyopathy 1W. Last evaluated: 2023-08-31. Review status: criteria provided, single submitter. Criteria: Invitae Variant Classification Sherloc (09022015). Collection method: clinical testing. Allele origin: germline.
Comment: In summary, the available evidence is currently insufficient to determine the role of this variant in disease. Therefore, it has been classified as a Variant of Uncertain Significance. An algorithm developed to predict the effect of missense changes on protein structure and function (PolyPhen-2) suggests that this variant is likely to be disruptive. ClinVar contains an entry for this variant (Variation ID: 426399). This variant has not been reported in the literature in individuals affected with VCL-related conditions. This variant is not present in population databases (gnomAD no frequency). This sequence change replaces arginine, which is basic and polar, with glutamine, which is neutral and polar, at codon 1003 of the VCL protein (p.Arg1003Gln).

GeneDx
Classification: Uncertain significance. Last evaluated: 2017-04-18. Review status: criteria provided, single submitter. Criteria: GeneDx Variant Classification (06012015). Collection method: clinical testing. Allele origin: germline. Affected: yes.
Comment: A variant of uncertain significance has been identified in the VCL gene. The R1003Q variant has not been published as pathogenic or been reported as benign to our knowledge. This variant is not observed in large population cohorts (Lek et al., 2016; 1000 Genomes Consortium et al., 2015; Exome Variant Server). The R1003Q variant is a semi-conservative amino acid substitution, which may impact secondary protein structure as these residues differ in some properties. This substitution occurs at a position that is conserved across species and in silico analysis suggests that this variant is probably damaging to the protein structure/function. However, this variant lacks observation in a significant number of affected individuals, segregation data, and functional evidence, which would further clarify its pathogenicity.